The following is an entry in ClinVar:

NM_177438.3(DICER1):c.4101C>T (p.Ser1367=)

Gene: DICER1 (dicer 1, ribonuclease III; minus strand). Cytogenetic location: 14q32.13.
Variant type: single nucleotide variant.
Coding change: c.4101C>T on transcript NM_177438.3 (MANE Select); coding-DNA position 4101, C replaced by T.
Protein change: p.Ser1367=; no amino-acid change (serine 1367 retained).
Molecular consequence: synonymous variant.
Genome position (GRCh38, 1-based): chr14:95,099,885, G>A on the plus strand (C>T on the coding strand, the complement: DICER1 is on the minus strand). VCF-style: chr14-95099885-G-A. GRCh37 (hg19) VCF-style: chr14-95566222-G-A.
Other names: c.4101C>T, p.Ser1367= (NM_001195573.1, NM_001271282.3, NM_001291628.2 and 1 more transcripts).
Identifiers: ClinVar variation 417062 (VCV000417062.20), dbSNP rs370897400, ClinGen allele CA7330942.

ClinVar aggregate classification (germline): Benign/Likely benign. Review status: criteria provided, multiple submitters, no conflicts (2 of 4 stars). 4 submissions from 4 submitters: Benign (1); Likely benign (2). 1 of the submissions does not count toward it. Last evaluated 2026-04-17.

Conditions:
DICER1-related disorder. Also called: DICER1-related condition.
DICER1-related tumor predisposition. Also called: DICER1-related pleuropulmonary blastoma cancer predisposition syndrome; DICER1 syndrome. Identifiers: Orphanet 284343, MedGen C3839822, MONDO:0100216.
Hereditary cancer-predisposing syndrome. Also called: Hereditary Cancer Syndrome; Neoplastic Syndromes, Hereditary; Hereditary neoplastic syndrome; Tumor predisposition. Identifiers: Orphanet 140162, MedGen C0027672, MeSH D009386, MONDO:0015356.

Allele frequency attached by ClinVar (database versions not stated): gnomAD exomes below 0.00001 and 0.00001; ExAC 0.00001; ESP Exome Variant Server 0.00008; TOPMed 0.00003; gnomAD 0.00004 and 0.00003.
gnomAD v4.1: 7 of 1,613,902 alleles (0.00043%); highest among the groups gnomAD compares: African/African-American, 0.008%; no homozygotes.

Submissions (4):

Myriad Genetics, Inc.
Classification: Benign for DICER1-related tumor predisposition. Last evaluated: 2026-04-17. Review status: criteria provided, single submitter. Criteria: Myriad Autosomal Dominant, Autosomal Recessive and X-Linked Classification Criteria (2023). Collection method: clinical testing. Allele origin: unknown.
Comment: This variant is considered benign. This variant is a silent/synonymous amino acid change and it is not expected to impact splicing.

Labcorp Genetics (formerly Invitae), Labcorp
Classification: Likely benign for DICER1-related tumor predisposition. Last evaluated: 2025-09-25. Review status: criteria provided, single submitter. Criteria: Invitae Variant Classification Sherloc (09022015). Collection method: clinical testing. Allele origin: germline.

Ambry Genetics
Classification: Likely benign for Hereditary cancer-predisposing syndrome. Last evaluated: 2017-03-29. Review status: criteria provided, single submitter. Criteria: Ambry Variant Classification Scheme 2023. Collection method: clinical testing. Allele origin: germline.

PreventionGenetics, part of Exact Sciences
Classification: Likely benign for DICER1-related condition. Last evaluated: 2022-09-22. Review status: no assertion criteria provided. Collection method: clinical testing. Allele origin: germline. Not counted in ClinVar's aggregate classification.
Comment: This variant is classified as likely benign based on ACMG/AMP sequence variant interpretation guidelines (Richards et al. 2015 PMID: 25741868, with internal and published modifications).